The following is an entry in ClinVar:

ClinVar aggregate classification (germline): Uncertain significance (1 of 4 stars; one submission).

gnomAD v4.1: 1 of 1,614,086 alleles (0.000062%); highest among the groups gnomAD compares: Non-Finnish European, 0.000085%; no homozygotes.

Submission:

Labcorp Genetics (formerly Invitae), Labcorp
Classification: Uncertain significance. Last evaluated: 2021-04-01. Review status: criteria provided, single submitter. Criteria: Invitae Variant Classification Sherloc (09022015). Collection method: clinical testing. Allele origin: germline.
Comment: Advanced modeling of protein sequence and biophysical properties (such as structural, functional, and spatial information, amino acid conservation, physicochemical variation, residue mobility, and thermodynamic stability) performed at Invitae indicates that this missense variant is not expected to disrupt MTOR protein function. In summary, the available evidence is currently insufficient to determine the role of this variant in disease. Therefore, it has been classified as a Variant of Uncertain Significance. This variant has not been reported in the literature in individuals with MTOR-related conditions. This variant is not present in population databases (ExAC no frequency). This sequence change replaces methionine with isoleucine at codon 2132 of the MTOR protein (p.Met2132Ile). The methionine residue is moderately conserved and there is a small physicochemical difference between methionine and isoleucine.

NM_004958.4(MTOR):c.6396G>A (p.Met2132Ile)

Gene: MTOR (mechanistic target of rapamycin kinase; minus strand). Cytogenetic location: 1p36.22.
Variant type: single nucleotide variant.
Coding change: c.6396G>A on transcript NM_004958.4 (MANE Select); coding-DNA position 6396, G replaced by A.
Protein change: p.Met2132Ile; replaces methionine 2132 with isoleucine.
Molecular consequence: missense variant.
Genome position (GRCh38, 1-based): chr1:11,126,752, C>T on the plus strand (G>A on the coding strand, the complement: MTOR is on the minus strand). VCF-style: chr1-11126752-C-T. GRCh37 (hg19) VCF-style: chr1-11186809-C-T.
Other names: c.6396G>A, p.Met2132Ile (NM_001386500.1); c.5148G>A, p.Met1716Ile (NM_001386501.1); short protein forms M1716I, M2132I.
Identifiers: ClinVar variation 1482777 (VCV001482777.8), dbSNP rs1340469250, ClinGen allele CA338390232.